The following is an entry in ClinVar:

ClinVar aggregate classification (germline): Uncertain significance (1 of 4 stars; one submission).

Allele frequency attached by ClinVar (database versions not stated): TOPMed below 0.00001.

Submission:

Labcorp Genetics (formerly Invitae), Labcorp
Classification: Uncertain significance. Last evaluated: 2025-06-06. Review status: criteria provided, single submitter. Criteria: Invitae Variant Classification Sherloc (09022015). Collection method: clinical testing. Allele origin: germline.
Comment: This sequence change replaces lysine, which is basic and polar, with isoleucine, which is neutral and non-polar, at codon 134 of the MYLK3 protein (p.Lys134Ile). This variant is not present in population databases (gnomAD no frequency). This variant has not been reported in the literature in individuals affected with MYLK3-related conditions. ClinVar contains an entry for this variant (Variation ID: 2005209). An algorithm developed to predict the effect of missense changes on protein structure and function (PolyPhen-2) suggests that this variant is likely to be tolerated. In summary, the available evidence is currently insufficient to determine the role of this variant in disease. Therefore, it has been classified as a Variant of Uncertain Significance.

NM_182493.3(MYLK3):c.401A>T (p.Lys134Ile)

Gene: MYLK3 (myosin light chain kinase 3; minus strand). Cytogenetic location: 16q11.2.
Variant type: single nucleotide variant.
Coding change: c.401A>T on transcript NM_182493.3 (MANE Select); coding-DNA position 401, A replaced by T.
Protein change: p.Lys134Ile; replaces lysine 134 with isoleucine.
Molecular consequence: missense variant. On other transcripts: intron variant (1).
Genome position (GRCh38, 1-based): chr16:46,747,793, T>A on the plus strand (A>T on the coding strand, the complement: MYLK3 is on the minus strand). VCF-style: chr16-46747793-T-A. GRCh37 (hg19) VCF-style: chr16-46781705-T-A.
Other names: c.-113-7646A>T (NM_001308301.1); short protein forms K134I.
Identifiers: ClinVar variation 2005209 (VCV002005209.4), dbSNP rs1183266743, ClinGen allele CA395796881.
Genomic context (GRCh38, chr16:46,747,793, plus strand): 5'-CCTGGGCTGCCTCTCCTCCAGGGCACACGCCCCTGCATGAGGAAATCCGCCACCTTTGAT[T>A]TCTGGAACGTGGCCCCCACCAAAGCGATGGCCCTGTCCACCGCAGCCACCATCCTGAAGA-3'
Protein context (NP_872299.2, residues 124-144): AIALVGATFQ[Lys134Ile]SKVADFLMQG